The following is an entry in ClinVar:

ClinVar aggregate classification (germline): Uncertain significance (1 of 4 stars; one submission).

Conditions:
Dystonia 12 (DYT12). Also called: DYT-ATP1A3; Rapid-Onset Dystonia-Parkinsonism (RDP). Identifiers: Orphanet 71517, MedGen C1868681, MONDO:0007496, OMIM 128235.

Allele frequency attached by ClinVar (database versions not stated): gnomAD exomes below 0.00001.
gnomAD v4.1: 4 of 1,613,916 alleles (0.00025%); highest among the groups gnomAD compares: Non-Finnish European, 0.00034%; no homozygotes.

Submission:

Labcorp Genetics (formerly Invitae), Labcorp
Classification: Uncertain significance for Dystonia 12. Last evaluated: 2020-03-09. Review status: criteria provided, single submitter. Criteria: Invitae Variant Classification Sherloc (09022015). Collection method: clinical testing. Allele origin: germline.
Comment: This sequence change replaces glutamic acid with lysine at codon 486 of the ATP1A3 protein (p.Glu486Lys). The glutamic acid residue is moderately conserved and there is a small physicochemical difference between glutamic acid and lysine. This variant is not present in population databases (ExAC no frequency). This variant has not been reported in the literature in individuals with ATP1A3-related conditions. Algorithms developed to predict the effect of missense changes on protein structure and function are either unavailable or do not agree on the potential impact of this missense change (SIFT: "Deleterious"; PolyPhen-2: "Benign"; Align-GVGD: "Class C0"). In summary, the available evidence is currently insufficient to determine the role of this variant in disease. Therefore, it has been classified as a Variant of Uncertain Significance.

NM_152296.5(ATP1A3):c.1456G>A (p.Glu486Lys)

Gene: ATP1A3 (ATPase Na+/K+ transporting subunit alpha 3; minus strand). Cytogenetic location: 19q13.2.
Variant type: single nucleotide variant.
Coding change: c.1456G>A on transcript NM_152296.5 (MANE Select); coding-DNA position 1456, G replaced by A.
Protein change: p.Glu486Lys; replaces glutamic acid 486 with lysine.
Molecular consequence: missense variant.
Genome position (GRCh38, 1-based): chr19:41,978,780, C>T on the plus strand (G>A on the coding strand, the complement: ATP1A3 is on the minus strand). VCF-style: chr19-41978780-C-T. GRCh37 (hg19) VCF-style: chr19-42482932-C-T.
Other names: c.1489G>A, p.Glu497Lys (NM_001256213.2); c.1495G>A, p.Glu499Lys (NM_001256214.2); short protein forms E486K, E497K, E499K.
Identifiers: ClinVar variation 1023422 (VCV001023422.8), dbSNP rs1599716048, ClinGen allele CA406047511.